The following is an entry in ClinVar:

NM_001371928.1(AHDC1):c.3239C>T (p.Ser1080Phe)

Gene: AHDC1 (AT-hook DNA binding motif containing 1; minus strand). Cytogenetic location: 1p36.11.
Variant type: single nucleotide variant.
Coding change: c.3239C>T on transcript NM_001371928.1 (MANE Select); coding-DNA position 3239, C replaced by T.
Protein change: p.Ser1080Phe; replaces serine 1080 with phenylalanine.
Molecular consequence: missense variant.
Genome position (GRCh38, 1-based): chr1:27,548,877, G>A on the plus strand (C>T on the coding strand, the complement: AHDC1 is on the minus strand). VCF-style: chr1-27548877-G-A. GRCh37 (hg19) VCF-style: chr1-27875388-G-A.
Other names: c.3239C>T, p.Ser1080Phe (NM_001029882.3); short protein forms S1080F.
Identifiers: ClinVar variation 3252742 (VCV003252742.2), dbSNP rs2148269805.
Genomic context (GRCh38, chr1:27,548,877, plus strand): 5'-CGACAGTTCTCGGGCGAGGGCTGGAAGGAGGAGGAGGAGGAGGAGGCGGCAGAGGCTGCA[G>A]AGGTGGCAGAGGCTGTGGTGCCCTTGGGTACCATGTAGCCACCGGGCGAGACTGTGCTGG-3'
Protein context (NP_001358857.1, residues 1070-1090): VPKGTTASAT[Ser1080Phe]AASAASSSSS

ClinVar aggregate classification (germline): Uncertain significance. Review status: criteria provided, multiple submitters, no conflicts (2 of 4 stars). 2 submissions from 2 submitters: Uncertain significance (2). Last evaluated 2024-12-30.

Conditions:
Inborn genetic diseases. Identifiers: MedGen C0950123, MeSH D030342.

Allele frequency attached by ClinVar (database versions not stated): gnomAD exomes below 0.00001.
gnomAD v4.1: 2 of 1,609,562 alleles (0.00012%); highest among the groups gnomAD compares: Non-Finnish European, 0.000085%; no homozygotes.

Submissions (2):

Ambry Genetics
Classification: Uncertain significance for Inborn genetic diseases. Last evaluated: 2024-12-30. Review status: criteria provided, single submitter. Criteria: Ambry Variant Classification Scheme 2023. Collection method: clinical testing. Allele origin: germline.

GeneDx
Classification: Uncertain significance. Last evaluated: 2024-05-02. Review status: criteria provided, single submitter. Criteria: GeneDx Variant Classification Process June 2021. Collection method: clinical testing. Allele origin: germline. Affected: yes.
Comment: Has not been previously published as pathogenic or benign to our knowledge; In silico analysis indicates that this missense variant does not alter protein structure/function; Not observed at significant frequency in large population cohorts (gnomAD)